The following is an entry in ClinVar:

NM_006031.6(PCNT):c.9595G>A (p.Ala3199Thr)

Gene: PCNT (pericentrin; plus strand). Cytogenetic location: 21q22.3.
Variant type: single nucleotide variant.
Coding change: c.9595G>A on transcript NM_006031.6 (MANE Select); coding-DNA position 9595, G replaced by A.
Protein change: p.Ala3199Thr; replaces alanine 3199 with threonine.
Molecular consequence: missense variant.
Genome position (GRCh38, 1-based): chr21:46,441,056, G>A. VCF-style: chr21-46441056-G-A. GRCh37 (hg19) VCF-style: chr21-47860969-G-A.
Other names: c.9004G>A, p.Ala3002Thr (NM_001315529.2); short protein forms A3002T, A3199T.
Identifiers: ClinVar variation 3348897 (VCV003348897.1).

ClinVar aggregate classification (germline): Uncertain significance (0 of 4 stars; one submission).

Conditions:
PCNT-related disorder. Also called: PCNT-related condition.

gnomAD v4.1: 2 of 1,613,514 alleles (0.00012%); highest among the groups gnomAD compares: Non-Finnish European, 0.00017%; no homozygotes.

Submission:

PreventionGenetics, part of Exact Sciences
Classification: Uncertain significance for PCNT-related condition. Last evaluated: 2024-01-05. Review status: no assertion criteria provided. Collection method: clinical testing. Allele origin: germline.
Comment: The PCNT c.9595G>A variant is predicted to result in the amino acid substitution p.Ala3199Thr. To our knowledge, this variant has not been reported in the literature. This variant is reported in 0.013% of alleles in individuals of European (Non-Finnish) descent in gnomAD. At this time, the clinical significance of this variant is uncertain due to the absence of conclusive functional and genetic evidence.